The following is an entry in ClinVar:

ClinVar aggregate classification (germline): Conflicting classifications of pathogenicity. Review status: criteria provided, conflicting classifications (1 of 4 stars). 2 submissions from 2 submitters: Uncertain significance (1); Likely benign (1). Last evaluated 2025-10-14.

Conditions:
Inborn genetic diseases. Identifiers: MedGen C0950123, MeSH D030342.

Allele frequency attached by ClinVar (database versions not stated): gnomAD 0.00001; TOPMed 0.00001; gnomAD exomes 0.00001 and 0.00003; ESP Exome Variant Server 0.00008.
gnomAD v4.1: 15 of 1,570,502 alleles (0.00096%); highest among the groups gnomAD compares: Admixed American, 0.0077%; no homozygotes.

Submissions (2):

Ambry Genetics
Classification: Likely benign for Inborn genetic diseases. Last evaluated: 2025-10-14. Review status: criteria provided, single submitter. Criteria: Ambry Variant Classification Scheme 2023. Collection method: clinical testing. Allele origin: germline.

Labcorp Genetics (formerly Invitae), Labcorp
Classification: Uncertain significance. Last evaluated: 2022-06-13. Review status: criteria provided, single submitter. Criteria: Invitae Variant Classification Sherloc (09022015). Collection method: clinical testing. Allele origin: germline.
Comment: This sequence change replaces arginine, which is basic and polar, with histidine, which is basic and polar, at codon 1448 of the TUBGCP6 protein (p.Arg1448His). This variant is present in population databases (rs373111383, gnomAD 0.02%). This variant has not been reported in the literature in individuals affected with TUBGCP6-related conditions. Algorithms developed to predict the effect of missense changes on protein structure and function output the following: SIFT: "Tolerated"; PolyPhen-2: "Benign"; Align-GVGD: "Class C0". The histidine amino acid residue is found in multiple mammalian species, which suggests that this missense change does not adversely affect protein function. In summary, the available evidence is currently insufficient to determine the role of this variant in disease. Therefore, it has been classified as a Variant of Uncertain Significance.

NM_020461.4(TUBGCP6):c.4343G>A (p.Arg1448His)

Gene: TUBGCP6 (tubulin gamma complex component 6; minus strand). Cytogenetic location: 22q13.33.
Variant type: single nucleotide variant.
Coding change: c.4343G>A on transcript NM_020461.4 (MANE Select); coding-DNA position 4343, G replaced by A.
Protein change: p.Arg1448His; replaces arginine 1448 with histidine.
Molecular consequence: missense variant.
Genome position (GRCh38, 1-based): chr22:50,219,429, C>T on the plus strand (G>A on the coding strand, the complement: TUBGCP6 is on the minus strand). VCF-style: chr22-50219429-C-T. GRCh37 (hg19) VCF-style: chr22-50657858-C-T.
Other names: c.4343G>A (NM_020461.3); short protein forms R1448H.
Identifiers: ClinVar variation 1525574 (VCV001525574.4), dbSNP rs373111383, ClinGen allele CA325509761.